The following is an entry in ClinVar:

ClinVar aggregate classification (germline): Benign. Review status: criteria provided, single submitter (1 of 4 stars). 2 submissions from 2 submitters: Benign (1). 1 of the submissions does not count toward it. Last evaluated 2019-12-31.

Conditions:
PTPRT-related disorder. Also called: PTPRT-related condition.

Allele frequency attached by ClinVar (database versions not stated): gnomAD exomes 0.00035 and 0.00085; ExAC 0.00114; 1000 Genomes Project 0.00200; 1000 Genomes Project 30x 0.00203; gnomAD 0.00338 and 0.00369; TOPMed 0.00410; ESP Exome Variant Server 0.00427.
gnomAD v4.1: 1,043 of 1,609,830 alleles (0.065%); highest among the groups gnomAD compares: African/African-American, 1.3%; 7 homozygotes.

Submissions (2):

Labcorp Genetics (formerly Invitae), Labcorp
Classification: Benign. Last evaluated: 2019-12-31. Review status: criteria provided, single submitter. Criteria: Invitae Variant Classification Sherloc (09022015). Collection method: clinical testing. Allele origin: germline.

PreventionGenetics, part of Exact Sciences
Classification: Benign for PTPRT-related condition. Last evaluated: 2019-05-20. Review status: no assertion criteria provided. Collection method: clinical testing. Allele origin: germline. Not counted in ClinVar's aggregate classification.
Comment: This variant is classified as benign based on ACMG/AMP sequence variant interpretation guidelines (Richards et al. 2015 PMID: 25741868, with internal and published modifications).

NM_007050.6(PTPRT):c.114C>T (p.Tyr38=)

Gene: PTPRT (protein tyrosine phosphatase receptor type T; minus strand). Cytogenetic location: 20q12.
Variant type: single nucleotide variant.
Coding change: c.114C>T on transcript NM_007050.6 (MANE Select); coding-DNA position 114, C replaced by T.
Protein change: p.Tyr38=; no amino-acid change (tyrosine 38 retained).
Molecular consequence: synonymous variant.
Genome position (GRCh38, 1-based): chr20:42,885,907, G>A on the plus strand (C>T on the coding strand, the complement: PTPRT is on the minus strand). VCF-style: chr20-42885907-G-A. GRCh37 (hg19) VCF-style: chr20-41514547-G-A.
Other names: c.114C>T, p.Tyr38= (NM_133170.4).
Identifiers: ClinVar variation 784410 (VCV000784410.6), dbSNP rs141730873, ClinGen allele CA9864912.
Genomic context (GRCh38, chr20:42,885,907, plus strand): 5'-GTTAATCTGCTCCCAGGTGAACCCATTGGTCCCTAGAGCCACACTATAACCACAGTTGCT[G>A]TAGTGCTCATCAAAGGAACAGCCACCTGTAGACAAAAGAGATATGGGTAAATACATTCCC-3'
Protein context (NP_008981.4, residues 28-48): AAGGCSFDEH[Tyr38=]SNCGYSVALG